The following is an entry in ClinVar:

NM_001457.4(FLNB):c.7418-87C>G

Genes: FLNB (filamin B; plus strand), FLNB-AS1 (FLNB antisense RNA 1; minus strand). Cytogenetic location: 3p14.3.
Variant type: single nucleotide variant.
Coding change: c.7418-87C>G on transcript NM_001457.4 (MANE Select); 87 bases into the intron before coding-DNA position 7418, C replaced by G.
Molecular consequence: intron variant.
Genome position (GRCh38, 1-based): chr3:58,169,503, C>G. VCF-style: chr3-58169503-C-G. GRCh37 (hg19) VCF-style: chr3-58155230-C-G.
Other names: c.7511-87C>G (NM_001164317.2); c.7385-87C>G (NM_001164318.2); c.7346-87C>G (NM_001164319.2).
Identifiers: ClinVar variation 674883 (VCV000674883.2), dbSNP rs9870243, ClinGen allele CA11444298.

ClinVar aggregate classification (germline): Benign. Review status: criteria provided, multiple submitters, no conflicts (2 of 4 stars). 2 submissions from 2 submitters: Benign (2). Last evaluated 2018-06-14.

Allele frequency attached by ClinVar (database versions not stated): 1000 Genomes Project 0.18670; 1000 Genomes Project 30x 0.18707; TOPMed 0.25662; gnomAD 0.26155 and 0.26678; gnomAD exomes 0.27765.
gnomAD v4.1: 289,617 of 1,052,384 alleles (28%); highest among the groups gnomAD compares: Non-Finnish European, 31%; 42,631 homozygotes.

Submissions (2):

GeneDx
Classification: Benign. Last evaluated: 2018-06-14. Review status: criteria provided, single submitter. Criteria: GeneDx Variant Classification (06012015). Collection method: clinical testing. Allele origin: germline. Affected: yes.
Comment: This variant is considered likely benign or benign based on one or more of the following criteria: it is a conservative change, it occurs at a poorly conserved position in the protein, it is predicted to be benign by multiple in silico algorithms, and/or has population frequency not consistent with disease.

Breakthrough Genomics
Classification: Benign. Review status: criteria provided, single submitter. Criteria: ACMG Guidelines, 2015. Collection method: not provided. Allele origin: germline. Inheritance: Autosomal recessive inheritance. Affected: yes.